The following is an entry in ClinVar:

NM_020207.7(ERCC6L2):c.542A>C (p.Glu181Ala)

Gene: ERCC6L2 (ERCC excision repair 6 like 2; plus strand). Cytogenetic location: 9q22.32.
Variant type: single nucleotide variant.
Coding change: c.542A>C on transcript NM_020207.7 (MANE Select); coding-DNA position 542, A replaced by C.
Protein change: p.Glu181Ala; replaces glutamic acid 181 with alanine.
Molecular consequence: missense variant. On other transcripts: non-coding transcript variant (1).
Genome position (GRCh38, 1-based): chr9:95,897,919, A>C. VCF-style: chr9-95897919-A-C. GRCh37 (hg19) VCF-style: chr9-98660201-A-C.
Other names: c.542A>C, p.Glu181Ala (NM_001010895.4, NM_001375291.1, NM_001375292.1 and 2 more transcripts); short protein forms E181A.
Identifiers: ClinVar variation 4870571 (VCV004870571.1).

ClinVar aggregate classification (germline): Uncertain significance (1 of 4 stars; one submission).

Conditions:
Inborn genetic diseases. Identifiers: MedGen C0950123, MeSH D030342.

Submission:

Ambry Genetics
Classification: Uncertain significance for Inborn genetic diseases. Last evaluated: 2026-03-21. Review status: criteria provided, single submitter. Criteria: Ambry Variant Classification Scheme 2023. Collection method: clinical testing. Allele origin: germline.
Comment: The p.E181A variant (also known as c.542A>C), located in coding exon 3 of the ERCC6L2 gene, results from an A to C substitution at nucleotide position 542. The glutamic acid at codon 181 is replaced by alanine, an amino acid with dissimilar properties. This amino acid position is conserved. In addition, the in silico prediction for this alteration is inconclusive. Based on the available evidence, the clinical significance of this variant remains unclear.